The following is an entry in ClinVar:

NM_014633.5(CTR9):c.144+4A>T

Gene: CTR9 (CTR9 component of Paf1/RNA polymerase II complex; plus strand). Cytogenetic location: 11p15.4.
Variant type: single nucleotide variant.
Coding change: c.144+4A>T on transcript NM_014633.5 (MANE Select); 4 bases into the intron after coding-DNA position 144, A replaced by T.
Molecular consequence: intron variant.
Genome position (GRCh38, 1-based): chr11:10,752,774, A>T. VCF-style: chr11-10752774-A-T. GRCh37 (hg19) VCF-style: chr11-10774321-A-T.
Other names: c.144+4A>T (NM_001346279.2).
Identifiers: ClinVar variation 1507678 (VCV001507678.6), dbSNP rs2135353214, ClinGen allele CA2573146029.

ClinVar aggregate classification (germline): Uncertain significance (1 of 4 stars; one submission).

Submission:

Labcorp Genetics (formerly Invitae), Labcorp
Classification: Uncertain significance. Last evaluated: 2021-07-26. Review status: criteria provided, single submitter. Criteria: Invitae Variant Classification Sherloc (09022015). Collection method: clinical testing. Allele origin: germline.
Comment: This variant has not been reported in the literature in individuals affected with CTR9-related conditions. In summary, the available evidence is currently insufficient to determine the role of this variant in disease. Therefore, it has been classified as a Variant of Uncertain Significance. Nucleotide substitutions within the consensus splice site are a relatively common cause of aberrant splicing (PMID: 17576681, 9536098). Algorithms developed to predict the effect of sequence changes on RNA splicing suggest that this variant may disrupt the consensus splice site. This variant is not present in population databases (ExAC no frequency). This sequence change falls in intron 2 of the CTR9 gene. It does not directly change the encoded amino acid sequence of the CTR9 protein. It affects a nucleotide within the consensus splice site of the intron.

Literature cited by the submitters: PubMed 17576681; PubMed 9536098.